The following is an entry in ClinVar:

NM_000088.4(COL1A1):c.880G>T (p.Glu294Ter)

Genes: COL1A1 (collagen type I alpha 1 chain; minus strand), LOC126862586 (CDK7 strongly-dependent group 2 enhancer GRCh37_chr17:48273702-48274901; plus strand). Cytogenetic location: 17q21.33.
Variant type: single nucleotide variant.
Coding change: c.880G>T on transcript NM_000088.4 (MANE Select); coding-DNA position 880, G replaced by T.
Protein change: p.Glu294Ter; replaces glutamic acid 294 with a stop codon.
Molecular consequence: nonsense.
Genome position (GRCh38, 1-based): chr17:50,196,507, C>A on the plus strand (G>T on the coding strand, the complement: COL1A1 is on the minus strand). VCF-style: chr17-50196507-C-A. GRCh37 (hg19) VCF-style: chr17-48273868-C-A.
Other names: short protein forms E294*.
Identifiers: ClinVar variation 2033142 (VCV002033142.4), dbSNP rs369612664, ClinGen allele CA400222142.

ClinVar aggregate classification (germline): Pathogenic (1 of 4 stars; one submission).

Conditions:
Osteogenesis imperfecta type I (OI1). Also called: OI, TYPE I; OSTEOGENESIS IMPERFECTA TARDA; OSTEOGENESIS IMPERFECTA WITH BLUE SCLERAE; Osteogenesis imperfecta type 1; Classic Non-deforming Osteogenesis Imperfecta with Blue Sclerae; Lobstein disease. Identifiers: Orphanet 216796, Orphanet 666, MedGen C0023931, MONDO:0008146, OMIM 166200. Disease mechanism: loss of function.

Submission:

Labcorp Genetics (formerly Invitae), Labcorp
Classification: Pathogenic for Osteogenesis imperfecta type I. Last evaluated: 2022-10-08. Review status: criteria provided, single submitter. Criteria: Invitae Variant Classification Sherloc (09022015). Collection method: clinical testing. Allele origin: germline.
Comment: For these reasons, this variant has been classified as Pathogenic. This variant has not been reported in the literature in individuals affected with COL1A1-related conditions. This variant is not present in population databases (gnomAD no frequency). This sequence change creates a premature translational stop signal (p.Glu294*) in the COL1A1 gene. It is expected to result in an absent or disrupted protein product. Loss-of-function variants in COL1A1 are known to be pathogenic (PMID: 7942841, 9295084, 9443882).

Literature cited by the submitters: PubMed 7942841; PubMed 9295084; PubMed 9443882.